The following is an entry in ClinVar:

NM_000271.5(NPC1):c.3647C>T (p.Ala1216Val)

Gene: NPC1 (NPC intracellular cholesterol transporter 1; minus strand). Cytogenetic location: 18q11.2.
Variant type: single nucleotide variant.
Coding change: c.3647C>T on transcript NM_000271.5 (MANE Select); coding-DNA position 3647, C replaced by T.
Protein change: p.Ala1216Val; replaces alanine 1216 with valine.
Molecular consequence: missense variant.
Genome position (GRCh38, 1-based): chr18:23,533,462, G>A on the plus strand (C>T on the coding strand, the complement: NPC1 is on the minus strand). VCF-style: chr18-23533462-G-A. GRCh37 (hg19) VCF-style: chr18-21113426-G-A.
Other names: short protein forms A1216V.
Identifiers: ClinVar variation 2736696 (VCV002736696.4), dbSNP rs2058572854, ClinGen allele CA401790732.

ClinVar aggregate classification (germline): Conflicting classifications of pathogenicity. Review status: criteria provided, conflicting classifications (1 of 4 stars). 2 submissions from 2 submitters: Likely pathogenic (1); Uncertain significance (1). Last evaluated 2025-09-15.

Conditions:
Niemann-Pick disease, type C1. Also called: NIEMANN-PICK DISEASE WITH CHOLESTEROL ESTERIFICATION BLOCK; NIEMANN-PICK DISEASE WITHOUT SPHINGOMYELINASE DEFICIENCY; NIEMANN-PICK DISEASE, CHRONIC NEURONOPATHIC FORM; NIEMANN-PICK DISEASE, VARIANT TYPE C1; NEUROVISCERAL STORAGE DISEASE WITH VERTICAL SUPRANUCLEAR OPHTHALMOPLEGIA. Identifiers: Orphanet 646, MedGen C3179455, MONDO:0009757, OMIM 257220.

Allele frequency attached by ClinVar (database versions not stated): gnomAD exomes below 0.00001.
gnomAD v4.1: 1 of 1,614,164 alleles (0.000062%); highest among the groups gnomAD compares: Non-Finnish European, 0.000085%; no homozygotes.

Submissions (2):

Myriad Genetics, Inc.
Classification: Uncertain significance for Niemann-Pick disease, type C1. Last evaluated: 2025-09-15. Review status: criteria provided, single submitter. Criteria: Myriad Autosomal Dominant, Autosomal Recessive and X-Linked Classification Criteria (2023). Collection method: clinical testing. Allele origin: unknown.
Comment: NM_000271.4(NPC1):c.3647C>T(A1216V) is a missense variant classified as a variant of uncertain significance in the context of Niemann-Pick disease type C1. A1216V has been observed in a case with relevant disease (PMID: 16126423). Relevant functional assessments of this variant are not available in the literature. A1216V has not been observed in referenced population frequency databases. In summary, there is insufficient evidence to classify NM_000271.4(NPC1):c.3647C>T(A1216V) as pathogenic or benign. Please note: this variant was assessed in the context of healthy population screening.

Labcorp Genetics (formerly Invitae), Labcorp
Classification: Likely pathogenic for Niemann-Pick disease, type C1. Last evaluated: 2023-06-23. Review status: criteria provided, single submitter. Criteria: Invitae Variant Classification Sherloc (09022015). Collection method: clinical testing. Allele origin: germline.
Comment: This sequence change replaces alanine, which is neutral and non-polar, with valine, which is neutral and non-polar, at codon 1216 of the NPC1 protein (p.Ala1216Val). This variant is not present in population databases (gnomAD no frequency). This missense change has been observed in individual(s) with Niemann-Pick disease type C (PMID: 16126423). Advanced modeling of protein sequence and biophysical properties (such as structural, functional, and spatial information, amino acid conservation, physicochemical variation, residue mobility, and thermodynamic stability) performed at Invitae indicates that this missense variant is expected to disrupt NPC1 protein function. In summary, the currently available evidence indicates that the variant is pathogenic, but additional data are needed to prove that conclusively. Therefore, this variant has been classified as Likely Pathogenic.

Literature cited by the submitters: PubMed 16126423 (cited by Myriad Genetics, Inc. and Labcorp Genetics (formerly Invitae), Labcorp).